The following is an entry in ClinVar:

ClinVar aggregate classification (germline): Benign. Review status: criteria provided, multiple submitters, no conflicts (2 of 4 stars). 4 submissions from 3 submitters: Benign (4). Last evaluated 2021-05-13.

Conditions:
Jervell and Lange-Nielsen syndrome 2 (JLNS2). Identifiers: Orphanet 768, Orphanet 90647, MedGen C2676723, MONDO:0012871, OMIM 612347.
Long QT syndrome 5 (LQT5). Identifiers: Orphanet 101016, Orphanet 768, MedGen C1867904, MONDO:0013372, OMIM 613695.

Allele frequency attached by ClinVar (database versions not stated): 1000 Genomes Project 0.09085; gnomAD 0.13749; 1000 Genomes Project 30x 0.16146.

Submissions (4):

GeneDx
Classification: Benign. Last evaluated: 2021-05-13. Review status: criteria provided, single submitter. Criteria: GeneDx Variant Classification Process June 2021. Collection method: clinical testing. Allele origin: germline. Affected: yes.

Illumina Laboratory Services, Illumina
Classification: Benign for Long QT syndrome 5. Last evaluated: 2018-01-12. Review status: criteria provided, single submitter. Criteria: ICSL Variant Classification Criteria 13 December 2019. Collection method: clinical testing. Allele origin: germline.
Comment: This variant was observed in the ICSL laboratory as part of a predisposition screen in an ostensibly healthy population. It had not been previously curated by ICSL or reported in the Human Gene Mutation Database (HGMD: prior to June 1st, 2018), and was therefore a candidate for classification through an automated scoring system. Utilizing variant allele frequency, disease prevalence and penetrance estimates, and inheritance mode, an automated score was calculated to assess if this variant is too frequent to cause the disease. Based on the score and internal cut-off values, a variant classified as benign is not then subjected to further curation. The score for this variant resulted in a classification of benign for this disease.

Illumina Laboratory Services, Illumina
Classification: Benign for Jervell and Lange-Nielsen syndrome 2. Last evaluated: 2018-01-12. Review status: criteria provided, single submitter. Criteria: ICSL Variant Classification Criteria 13 December 2019. Collection method: clinical testing. Allele origin: germline.
Comment: the same text as in the submission from Illumina Laboratory Services, Illumina above.

Breakthrough Genomics
Classification: Benign. Review status: criteria provided, single submitter. Criteria: ACMG Guidelines, 2015. Collection method: not provided. Allele origin: germline. Inheritance: Autosomal recessive inheritance. Affected: yes.

NM_000219.6(KCNE1):c.*1322A>G

Gene: KCNE1 (potassium voltage-gated channel subfamily E regulatory subunit 1; minus strand). Cytogenetic location: 21q22.12.
Variant type: single nucleotide variant.
Coding change: c.*1322A>G on transcript NM_000219.6 (MANE Select); 1322 bases downstream of the stop codon, A replaced by G.
Molecular consequence: 3 prime UTR variant.
Genome position (GRCh38, 1-based): chr21:34,447,923, T>C on the plus strand (A>G on the coding strand, the complement: KCNE1 is on the minus strand). VCF-style: chr21-34447923-T-C. GRCh37 (hg19) VCF-style: chr21-35820221-T-C.
Other names: c.*1322A>G (NM_001127668.4, NM_001127669.4, NM_001127670.4 and 4 more transcripts).
Identifiers: ClinVar variation 339749 (VCV000339749.9), dbSNP rs11700621, ClinGen allele CA10652888.
Genomic context (GRCh38, chr21:34,447,923, plus strand): 5'-AAAAGTTTGAATTCAAGCAGGGCTGTGCTTCCTCTGAAACCTGTGGGAGAGGAGCCTTCC[T>C]GGCTTCTTCCCGACTTCTTGGGATGGGGATGCGCATCCATCCTCGGCCTTCCTTGGTTTG-3'